The following is an entry in ClinVar:

GRCh38/hg38 16q23.1(chr16:78099236-78100272)x0

Gene: WWOX (WW domain containing oxidoreductase; plus strand). Cytogenetic location: 16q23.1.
Variant type: copy number loss.
Change: copy number 0 (both copies lost) of chr16:78,099,236-78,100,272 (1.0 kb, GRCh38 coordinates, 1-based), cytogenetic band 16q23.1.
Identifiers: ClinVar variation 2579165 (VCV002579165.1).

ClinVar aggregate classification (germline): Pathogenic (1 of 4 stars; one submission).

Conditions:
Developmental and epileptic encephalopathy, 28 (DEE28). Also called: Epileptic encephalopathy, early infantile, 28. Identifiers: Orphanet 442835, MedGen C4015519, MONDO:0014533, OMIM 616211.

Submission:

Broad Center for Mendelian Genomics, Broad Institute of MIT and Harvard
Classification: Pathogenic for Developmental and epileptic encephalopathy, 28. Last evaluated: 2023-08-24. Review status: criteria provided, single submitter. Criteria: ACMG/ClinGen CNV Guidelines, 2019. Collection method: research. Allele origin: unknown. Inheritance: Autosomal recessive inheritance. Affected: yes.
Comment: A homozygous deletion of exon 1 in WWOX (NM_016373.4) was identified by exome sequencing and confirmed by genome sequencing in two siblings with developmental and epileptic encephalopathy ([GRCh 38] chr16:78099236_78100272x0). Inheritance information is unavailable. The patient phenotypes are nonspecific, but are consistent with cases described in the literature and/or published databases with overlapping variants. This intragenic variant deletes the first coding exon and is predicted to cause loss of the methionine initiation codon. There is no in frame methionine in exon 2 or 3 that could reinitiate translation. This alteration is then predicted to lead to a truncated or absent protein. Loss of function of WWOX is an established disease mechanism in autosomal recessive developmental and epileptic encephalopathy. In summary, this variant meets criteria to be classified as pathogenic for autosomal recessive developmental and epileptic encephalopathy. The ACMG/ClinGen evidence codes and points used in this curation are as follows: 1: 0 points, 2: 0.9 points, 3: 0 points, 4-5: 0.15 points; Total: 1.05 points; Riggs 2020 (PMID: 31690835).